The following is an entry in ClinVar:

ClinVar aggregate classification (germline): Uncertain significance. Review status: criteria provided, multiple submitters, no conflicts (2 of 4 stars). 2 submissions from 2 submitters: Uncertain significance (2). Last evaluated 2022-03-09.

gnomAD v4.1: 2 of 1,614,136 alleles (0.00012%); highest among the groups gnomAD compares: Non-Finnish European, 0.00017%; no homozygotes.

Submissions (2):

Labcorp Genetics (formerly Invitae), Labcorp
Classification: Uncertain significance. Last evaluated: 2022-03-09. Review status: criteria provided, single submitter. Criteria: Invitae Variant Classification Sherloc (09022015). Collection method: clinical testing. Allele origin: germline.
Comment: In summary, the available evidence is currently insufficient to determine the role of this variant in disease. Therefore, it has been classified as a Variant of Uncertain Significance. This sequence change replaces leucine, which is neutral and non-polar, with valine, which is neutral and non-polar, at codon 98 of the RP1 protein (p.Leu98Val). This variant is not present in population databases (gnomAD no frequency). This variant has not been reported in the literature in individuals affected with RP1-related conditions. Algorithms developed to predict the effect of missense changes on protein structure and function (SIFT, PolyPhen-2, Align-GVGD) all suggest that this variant is likely to be disruptive.

Blueprint Genetics
Classification: Uncertain significance. Last evaluated: 2021-08-26. Review status: criteria provided, single submitter. Criteria: ACMG Guidelines, 2015. Collection method: clinical testing. Allele origin: germline.

NM_006269.2(RP1):c.292C>G (p.Leu98Val)

Gene: RP1 (RP1 axonemal microtubule associated; plus strand). Cytogenetic location: 8q12.1.
Variant type: single nucleotide variant.
Coding change: c.292C>G on transcript NM_006269.2 (MANE Select); coding-DNA position 292, C replaced by G.
Protein change: p.Leu98Val; replaces leucine 98 with valine.
Molecular consequence: missense variant.
Genome position (GRCh38, 1-based): chr8:54,621,258, C>G. VCF-style: chr8-54621258-C-G. GRCh37 (hg19) VCF-style: chr8-55533818-C-G.
Other names: c.292C>G, p.Leu98Val (NM_001375654.1); short protein forms L98V.
Identifiers: ClinVar variation 1501553 (VCV001501553.7), dbSNP rs1805856546, ClinGen allele CA370986187.